The following is an entry in ClinVar:

NM_001079843.3(CASZ1):c.3692A>T (p.Asn1231Ile)

Gene: CASZ1 (castor zinc finger 1; minus strand). Cytogenetic location: 1p36.22.
Variant type: single nucleotide variant.
Coding change: c.3692A>T on transcript NM_001079843.3 (MANE Select); coding-DNA position 3692, A replaced by T.
Protein change: p.Asn1231Ile; replaces asparagine 1231 with isoleucine.
Molecular consequence: missense variant.
Genome position (GRCh38, 1-based): chr1:10,646,132, T>A on the plus strand (A>T on the coding strand, the complement: CASZ1 is on the minus strand). VCF-style: chr1-10646132-T-A. GRCh37 (hg19) VCF-style: chr1-10706189-T-A.
Other names: short protein forms N1231I.
Identifiers: ClinVar variation 3342870 (VCV003342870.1).

ClinVar aggregate classification (germline): Uncertain significance (1 of 4 stars; one submission).

gnomAD v4.1: 1 of 1,613,962 alleles (0.000062%); highest among the groups gnomAD compares: South Asian, 0.0011%; no homozygotes.

Submission:

GeneDx
Classification: Uncertain significance. Last evaluated: 2023-03-08. Review status: criteria provided, single submitter. Criteria: GeneDx Variant Classification Process June 2021. Collection method: clinical testing. Allele origin: germline. Affected: yes.
Comment: In silico analysis supports that this missense variant has a deleterious effect on protein structure/function; Not observed at significant frequency in large population cohorts (gnomAD); Variants in candidate genes are classified as variants of uncertain significance in accordance with ACMG guidelines (Richards et al., 2015); Has not been previously published as pathogenic or benign to our knowledge